The following is an entry in ClinVar:

ClinVar aggregate classification (germline): Uncertain significance (1 of 4 stars; one submission).

gnomAD v4.1: 11 of 1,613,260 alleles (0.00068%); highest among the groups gnomAD compares: East Asian, 0.022%; no homozygotes.

Submission:

GeneDx
Classification: Uncertain significance. Last evaluated: 2024-11-08. Review status: criteria provided, single submitter. Criteria: GeneDx Variant Classification Process June 2021. Collection method: clinical testing. Allele origin: germline. Affected: yes.
Comment: In silico analysis indicates that this missense variant does not alter protein structure/function; Has not been previously published as pathogenic or benign to our knowledge

NM_003672.4(CDC14A):c.373C>G (p.Pro125Ala)

Gene: CDC14A (cell division cycle 14A; plus strand). Cytogenetic location: 1p21.2.
Variant type: single nucleotide variant.
Coding change: c.373C>G on transcript NM_003672.4 (MANE Select); coding-DNA position 373, C replaced by G.
Protein change: p.Pro125Ala; replaces proline 125 with alanine.
Molecular consequence: missense variant. On other transcripts: 5 prime UTR variant (1).
Genome position (GRCh38, 1-based): chr1:100,424,285, C>G. VCF-style: chr1-100424285-C-G. GRCh37 (hg19) VCF-style: chr1-100889841-C-G.
Other names: c.373C>G, p.Pro125Ala (NM_001319210.2, NM_033312.3, NM_033313.3); c.199C>G, p.Pro67Ala (NM_001319211.2); c.-419C>G (NM_001319212.2); short protein forms P125A, P67A.
Identifiers: ClinVar variation 3898894 (VCV003898894.1).